The following is an entry in ClinVar:

ClinVar aggregate classification (germline): Benign. Review status: criteria provided, multiple submitters, no conflicts (2 of 4 stars). 2 submissions from 2 submitters: Benign (2). Last evaluated 2025-01-09.

Conditions:
NUP155-related disorder. Also called: NUP155-related condition.

Allele frequency attached by ClinVar (database versions not stated): ESP Exome Variant Server 0.00031; TOPMed 0.00233; 1000 Genomes Project 30x 0.00578; 1000 Genomes Project 0.00579.
gnomAD v4.1: 1,932 of 1,609,294 alleles (0.12%); highest among the groups gnomAD compares: Admixed American, 3%; 36 homozygotes.

Submissions (2):

PreventionGenetics, part of Exact Sciences
Classification: Benign for NUP155-related condition. Last evaluated: 2025-01-09. Review status: criteria provided, single submitter. Criteria: ACMG Guidelines, 2015. Collection method: clinical testing. Allele origin: germline.
Comment: This variant is classified as benign based on ACMG/AMP sequence variant interpretation guidelines (Richards et al. 2015 PMID: 25741868, with internal and published modifications).

Labcorp Genetics (formerly Invitae), Labcorp
Classification: Benign. Last evaluated: 2018-07-16. Review status: criteria provided, single submitter. Criteria: Invitae Variant Classification Sherloc (09022015). Collection method: clinical testing. Allele origin: germline.

NM_153485.3(NUP155):c.2629-7C>T

Gene: NUP155 (nucleoporin 155; minus strand). Cytogenetic location: 5p13.2.
Variant type: single nucleotide variant.
Coding change: c.2629-7C>T on transcript NM_153485.3 (MANE Select); 7 bases into the intron before coding-DNA position 2629, C replaced by T.
Molecular consequence: intron variant.
Genome position (GRCh38, 1-based): chr5:37,309,274, G>A on the plus strand (C>T on the coding strand, the complement: NUP155 is on the minus strand). VCF-style: chr5-37309274-G-A. GRCh37 (hg19) VCF-style: chr5-37309376-G-A.
Other names: c.2437-7C>T (NM_001278312.2); c.2452-7C>T (NM_004298.4).
Identifiers: ClinVar variation 709212 (VCV000709212.4), dbSNP rs200054361, ClinGen allele CA3239642.